The following is an entry in ClinVar:

ClinVar aggregate classification (germline): Pathogenic. Review status: criteria provided, multiple submitters, no conflicts (2 of 4 stars). 2 submissions from 2 submitters: Pathogenic (2). Last evaluated 2024-06-20.

Conditions:
Epidermolysis bullosa, junctional 4, intermediate. Also called: Epidermolysis bullosa, junctional, localisata variant; EPIDERMOLYSIS BULLOSA, JUNCTIONAL 4, NON-HERLITZ TYPE; EPIDERMOLYSIS BULLOSA, GENERALIZED ATROPHIC BENIGN. Identifiers: MedGen C2608084, MONDO:0030750, OMIM 619787.
Epithelial recurrent erosion dystrophy (ERED). Also called: CORNEAL EROSIONS, RECURRING HEREDITARY. Identifiers: Orphanet 293381, MedGen C1852551, MONDO:0007381, OMIM 122400.

Allele frequency attached by ClinVar (database versions not stated): TOPMed below 0.00001; gnomAD exomes 0.00001; ExAC 0.00002; ESP Exome Variant Server 0.00008.
gnomAD v4.1: 5 of 1,614,208 alleles (0.00031%); highest among the groups gnomAD compares: Non-Finnish European, 0.00042%; no homozygotes.

Submissions (2):

Fulgent Genetics
Classification: Pathogenic for Epithelial recurrent erosion dystrophy; Epidermolysis bullosa, junctional 4, intermediate. Last evaluated: 2024-06-20. Review status: criteria provided, single submitter. Criteria: ACMG Guidelines, 2015. Collection method: clinical testing. Allele origin: germline.

Labcorp Genetics (formerly Invitae), Labcorp
Classification: Pathogenic. Last evaluated: 2024-01-24. Review status: criteria provided, single submitter. Criteria: Invitae Variant Classification Sherloc (09022015). Collection method: clinical testing. Allele origin: germline.
Comment: This sequence change affects codon 1066 of the COL17A1 mRNA. It is a 'silent' change, meaning that it does not change the encoded amino acid sequence of the COL17A1 protein. This variant is present in population databases (rs369035370, gnomAD 0.003%). This variant has been observed in individual(s) with junctional epidermolysis bullosa (PMID: 30673110, 30761300). In at least one individual the data is consistent with being in trans (on the opposite chromosome) from a pathogenic variant. Algorithms developed to predict the effect of sequence changes on RNA splicing suggest that this variant may disrupt the consensus splice site. For these reasons, this variant has been classified as Pathogenic.

Literature cited by the submitters: PubMed 30673110 (cited by Labcorp Genetics (formerly Invitae), Labcorp); PubMed 30761300 (cited by Labcorp Genetics (formerly Invitae), Labcorp).

NM_000494.4(COL17A1):c.3198C>T (p.Ser1066=)

Gene: COL17A1 (collagen type XVII alpha 1 chain; minus strand). Cytogenetic location: 10q25.1.
Variant type: single nucleotide variant.
Coding change: c.3198C>T on transcript NM_000494.4 (MANE Select); coding-DNA position 3198, C replaced by T.
Protein change: p.Ser1066=; no amino-acid change (serine 1066 retained).
Molecular consequence: synonymous variant.
Genome position (GRCh38, 1-based): chr10:104,037,646, G>A on the plus strand (C>T on the coding strand, the complement: COL17A1 is on the minus strand). VCF-style: chr10-104037646-G-A. GRCh37 (hg19) VCF-style: chr10-105797404-G-A.
Identifiers: ClinVar variation 2884031 (VCV002884031.4), dbSNP rs369035370, ClinGen allele CA5678077.